The following is an entry in ClinVar:

NC_000016.9:g.(?_89831292)_(89833651_?)del

Gene: FANCA (FA complementation group A; minus strand). Cytogenetic location: 16q24.3.
Variant type: Deletion.
Identifiers: ClinVar variation 456068 (VCV000456068.7).

ClinVar aggregate classification (germline): Pathogenic (1 of 4 stars; one submission).

Conditions:
Fanconi anemia (FA). Also called: Fanconi's anemia. Identifiers: Orphanet 84, MedGen C0015625, MeSH D005199, MONDO:0019391.

Submission:

Labcorp Genetics (formerly Invitae), Labcorp
Classification: Pathogenic for Fanconi anemia. Last evaluated: 2017-08-28. Review status: criteria provided, single submitter. Criteria: Invitae Variant Classification Sherloc (09022015). Collection method: clinical testing. Allele origin: germline.
Comment: For these reasons, this variant has been classified as Pathogenic. Loss-of-function variants in FANCA are known to be pathogenic (PMID: 19367192). This variant has not been reported in the literature in individuals with FANCA-related disease. This variant is an out-of-frame deletion of the genomic region encompassing exons 27-28 of the FANCA gene. This creates a premature translational stop signal and is expected to result in an absent or disrupted protein product.

Literature cited by the submitters: PubMed 19367192.